The following is an entry in ClinVar:

NM_000059.4(BRCA2):c.8327_8328insSVAelement

Gene: BRCA2 (BRCA2 DNA repair associated; plus strand). Cytogenetic location: 13q13.1.
Variant type: Insertion.
Coding change: c.8327_8328insSVAelement on transcript NM_000059.4; coding-DNA positions 8327 to 8328, an insertion.
Other names: NM_000059.3:c.8327_8328insSVA.
Identifiers: ClinVar variation 870226 (VCV000870226.1).

ClinVar aggregate classification (germline): Pathogenic (1 of 4 stars; one submission).

Conditions:
Hereditary breast ovarian cancer syndrome. Also called: Hereditary breast and ovarian cancer syndrome (HBOC); Hereditary breast and/or ovarian cancer syndrome; Hereditary breast and ovarian cancer syndrome; Breast and ovarian cancer; BRCA1- and BRCA2-Associated Hereditary Breast and Ovarian Cancer; Hereditary breast and ovarian cancer. Identifiers: Orphanet 145, MedGen C0677776, MeSH D061325, MONDO:0003582. Disease mechanism: loss of function.

Submission:

Labcorp Genetics (formerly Invitae), Labcorp
Classification: Pathogenic for Hereditary breast and ovarian cancer syndrome. Last evaluated: 2020-01-08. Review status: criteria provided, single submitter. Criteria: Invitae Variant Classification Sherloc (09022015). Collection method: clinical testing. Allele origin: germline.
Comment: This sequence change inserts a large fragment of DNA, likely a transposable element, in exon 18 of the BRCA2 gene (c.8327_8328insSVA), causing a frameshift at codon 2776 (p.Leu2776fs). The exact size and sequence of the insertion cannot be determined by the current assay. However, the insertion is expected to result in an absent or disrupted protein product. This variant has not been reported in the literature in individuals with BRCA2-related conditions. Retrotransposon insertions including LINE1 (L1), Alu, and SVA (SINE-VNTR-Alu) have been reported to be disease-causing through disruption of either a coding region or splice site (PMID: 19763152, 20307669, 22406018) and loss-of-function variants in BRCA2 are known to be pathogenic (PMID: 20104584). For these reasons, this variant has been classified as Pathogenic.

Literature cited by the submitters: PubMed 19763152; PubMed 20104584; PubMed 20307669; PubMed 22406018.